The following is an entry in ClinVar:

ClinVar aggregate classification (germline): Likely benign (1 of 4 stars; one submission).

Submission:

CeGaT Center for Human Genetics Tuebingen
Classification: Likely benign. Last evaluated: 2026-04-01. Review status: criteria provided, single submitter. Criteria: CeGaT Center For Human Genetics Tuebingen Variant Classification Criteria Version 2. Collection method: clinical testing. Allele origin: germline. Affected: yes. Observed: 1 variant allele.
Comment: TCF20: PM2:Supporting, BP4, BP7

NM_001378418.1(TCF20):c.3057T>C (p.Ser1019=)

Gene: TCF20 (transcription factor 20; minus strand). Cytogenetic location: 22q13.2.
Variant type: single nucleotide variant.
Coding change: c.3057T>C on transcript NM_001378418.1 (MANE Select); coding-DNA position 3057, T replaced by C.
Protein change: p.Ser1019=; no amino-acid change (serine 1019 retained).
Molecular consequence: synonymous variant.
Genome position (GRCh38, 1-based): chr22:42,212,249, A>G on the plus strand (T>C on the coding strand, the complement: TCF20 is on the minus strand). VCF-style: chr22-42212249-A-G. GRCh37 (hg19) VCF-style: chr22-42608255-A-G.
Other names: c.3057T>C, p.Ser1019= (NM_005650.4, NM_181492.3).
Identifiers: ClinVar variation 4873057 (VCV004873057.2).